The following is an entry in ClinVar:

ClinVar aggregate classification (germline): Pathogenic (1 of 4 stars; one submission).

Conditions:
Autosomal recessive limb-girdle muscular dystrophy. Identifiers: Orphanet 102015, MedGen C2931907, MONDO:0015152.

Submission:

Myriad Genetics, Inc.
Classification: Pathogenic for Autosomal recessive limb-girdle muscular dystrophy. Last evaluated: 2026-08-07. Review status: criteria provided, single submitter. Criteria: Myriad Autosomal Dominant, Autosomal Recessive and X-Linked Classification Criteria (2023). Collection method: clinical testing. Allele origin: unknown.
Comment: NM_003494.3(DYSF):c.5889_5890dupAA(T1964Kfs*3) is expected to be pathogenic in the context of dysferlinopathy. This variant is predicted to lead to an abnormal or absent protein product due to the creation of a premature termination codon in DYSF, a gene where loss-of-function variants are known to be pathogenic. Please note: this variant was assessed in the context of healthy population screening.

NM_001130987.2(DYSF):c.6006_6007dup (p.Thr2003fs)

Gene: DYSF (dysferlin; plus strand). Cytogenetic location: 2p13.2.
Variant type: Duplication.
Coding change: c.6006_6007dup on transcript NM_001130987.2 (MANE Select); coding-DNA positions 6006 to 6007, 2 bases duplicated (AA; older notation c.6006_6007dupAA).
Protein change: p.Thr2003fs; shifts the reading frame from threonine 2003.
Molecular consequence: frameshift variant.
Genome position (GRCh38, 1-based): chr2:71,679,178-71,679,179, AA duplicated; duplicating any 2 consecutive bases within chr2:71,679,176-71,679,179 gives the same sequence; the c. name uses the placement nearest the transcript's 3' end. VCF-style (leftmost placement, unchanged base first): chr2-71679175-G-GAA. GRCh37 (hg19) VCF-style: chr2-71906305-G-GAA.
Other names: c.5892_5893dup, p.Thr1965fs (NM_001130455.2); c.5847_5848dup, p.Thr1950fs (NM_001130976.2); c.5910_5911dup, p.Thr1971fs (NM_001130977.2); c.5952_5953dup, p.Thr1985fs (NM_001130978.2); c.5982_5983dup, p.Thr1995fs (NM_001130979.2); c.5940_5941dup, p.Thr1981fs (NM_001130980.2); c.6003_6004dup, p.Thr2002fs (NM_001130981.2); c.5985_5986dup, p.Thr1996fs (NM_001130982.2); and 5 more; short protein forms T1950fs, T1951fs, T1964fs, T1965fs, T1971fs, T1972fs, T1981fs, T1982fs.
Identifiers: ClinVar variation 5016212 (VCV005016212.1).